The following is an entry in ClinVar:

ClinVar aggregate classification (germline): Conflicting classifications of pathogenicity. Review status: criteria provided, conflicting classifications (1 of 4 stars). 4 submissions from 4 submitters: Uncertain significance (3); Likely benign (1). Last evaluated 2025-12-20.

Conditions:
Spondyloenchondrodysplasia with immune dysregulation (SPENCDI). Also called: SPONDYLOENCHONDRODYSPLASIA WITH OR WITHOUT IMMUNE DYSREGULATION; COMBINED IMMUNODEFICIENCY WITH AUTOIMMUNITY AND SPONDYLOMETAPHYSEAL DYSPLASIA; ROIFMAN IMMUNOSKELETAL SYNDROME. Identifiers: Orphanet 1855, MedGen C1842763, MONDO:0011939, OMIM 607944.

Allele frequency attached by ClinVar (database versions not stated): 1000 Genomes Project 30x 0.00031; 1000 Genomes Project 0.00040; TOPMed 0.00049; ESP Exome Variant Server 0.00054.
gnomAD v4.1: 1,293 of 1,613,852 alleles (0.08%); highest among the groups gnomAD compares: Non-Finnish European, 0.095%; no homozygotes.

Submissions (4):

Labcorp Genetics (formerly Invitae), Labcorp
Classification: Likely benign for Spondyloenchondrodysplasia with immune dysregulation. Last evaluated: 2025-12-20. Review status: criteria provided, single submitter. Criteria: Invitae Variant Classification Sherloc (09022015). Collection method: clinical testing. Allele origin: germline.

Mayo Clinic Laboratories, Mayo Clinic
Classification: Uncertain significance. Last evaluated: 2025-01-16. Review status: criteria provided, single submitter. Criteria: ACMG Guidelines, 2015. Collection method: clinical testing. Allele origin: germline. Observed: 1 variant allele.
Comment: BP4

Blueprint Genetics
Classification: Uncertain significance. Last evaluated: 2024-11-28. Review status: criteria provided, single submitter. Criteria: ACMG Guidelines, 2015. Collection method: clinical testing. Allele origin: germline.

Revvity Omics, Revvity
Classification: Uncertain significance for Spondyloenchondrodysplasia with immune dysregulation. Last evaluated: 2021-01-18. Review status: criteria provided, single submitter. Criteria: ACMG Guidelines, 2015. Collection method: clinical testing. Allele origin: germline.

NM_001611.5(ACP5):c.766G>C (p.Val256Leu)

Gene: ACP5 (acid phosphatase 5, tartrate resistant; minus strand). Cytogenetic location: 19p13.2.
Variant type: single nucleotide variant.
Coding change: c.766G>C on transcript NM_001611.5 (MANE Select); coding-DNA position 766, G replaced by C.
Protein change: p.Val256Leu; replaces valine 256 with leucine.
Molecular consequence: missense variant.
Genome position (GRCh38, 1-based): chr19:11,575,222, C>G on the plus strand (G>C on the coding strand, the complement: ACP5 is on the minus strand). VCF-style: chr19-11575222-C-G. GRCh37 (hg19) VCF-style: chr19-11686037-C-G.
Other names: p.Val256Leu; c.766G>C, p.Val256Leu (NM_001111034.3, NM_001111035.3, NM_001111036.3 and 2 more transcripts); short protein forms V256L.
Identifiers: ClinVar variation 642371 (VCV000642371.13), dbSNP rs146196342, ClinGen allele CA9215323.